The following is an entry in ClinVar:

ClinVar aggregate classification (germline): Uncertain significance (1 of 4 stars; one submission).

Submission:

Labcorp Genetics (formerly Invitae), Labcorp
Classification: Uncertain significance. Last evaluated: 2022-07-12. Review status: criteria provided, single submitter. Criteria: Invitae Variant Classification Sherloc (09022015). Collection method: clinical testing. Allele origin: germline.
Comment: This variant is not present in population databases (gnomAD no frequency). This sequence change replaces leucine, which is neutral and non-polar, with valine, which is neutral and non-polar, at codon 2539 of the NSD1 protein (p.Leu2539Val). This variant has not been reported in the literature in individuals affected with NSD1-related conditions. In summary, the available evidence is currently insufficient to determine the role of this variant in disease. Therefore, it has been classified as a Variant of Uncertain Significance. Advanced modeling of protein sequence and biophysical properties (such as structural, functional, and spatial information, amino acid conservation, physicochemical variation, residue mobility, and thermodynamic stability) performed at Invitae indicates that this missense variant is not expected to disrupt NSD1 protein function. ClinVar contains an entry for this variant (Variation ID: 960402).

NM_022455.5(NSD1):c.7615C>G (p.Leu2539Val)

Gene: NSD1 (nuclear receptor binding SET domain protein 1; plus strand). Cytogenetic location: 5q35.3.
Variant type: single nucleotide variant.
Coding change: c.7615C>G on transcript NM_022455.5 (MANE Select); coding-DNA position 7615, C replaced by G.
Protein change: p.Leu2539Val; replaces leucine 2539 with valine.
Molecular consequence: missense variant.
Genome position (GRCh38, 1-based): chr5:177,294,983, C>G. VCF-style: chr5-177294983-C-G. GRCh37 (hg19) VCF-style: chr5-176721984-C-G.
Other names: c.6742C>G, p.Leu2248Val (NM_001365684.2, NM_001409308.1, NM_172349.5); c.7615C>G, p.Leu2539Val (NM_001409301.1, NM_001409302.1, NM_001409303.1); c.7195C>G, p.Leu2399Val (NM_001409304.1); c.6862C>G, p.Leu2288Val (NM_001409305.1); c.6853C>G, p.Leu2285Val (NM_001409306.1, NM_001409307.1); c.6493C>G, p.Leu2165Val (NM_001409309.1); short protein forms L2270V, L2539V, L2248V, L2165V, L2288V, L2399V, L2285V.
Identifiers: ClinVar variation 960402 (VCV000960402.10), dbSNP rs1760151289, ClinGen allele CA362333565.